The following is an entry in ClinVar:

ClinVar aggregate classification (germline): Pathogenic. Review status: criteria provided, single submitter (1 of 4 stars). 2 submissions from 2 submitters: Pathogenic (1). 1 of the submissions does not count toward it. Last evaluated 2018-05-29.

Conditions:
Developmental and epileptic encephalopathy, 7 (DEE7). Also called: KCNQ2-Related Neonatal Epileptic Encephalopathy; Early infantile epileptic encephalopathy 7; KCNQ2-Related Neonatal-Onset Developmental and Epileptic Encephalopathy (NEO-DEE). Identifiers: Orphanet 439218, MedGen C3150986, MONDO:0013387, OMIM 613720.

Submissions (2):

GeneDx
Classification: Pathogenic. Last evaluated: 2018-05-29. Review status: criteria provided, single submitter. Criteria: GeneDx Variant Classification (06012015). Collection method: clinical testing. Allele origin: germline. Affected: yes.
Comment: The V175L variant is not observed in large population cohorts (Lek et al., 2016). This variant is a conservative amino acid substitution, which is not likely to impact secondary protein structure as these residues share similar properties. However, in-silico analyses, including protein predictors and evolutionary conservation, support a deleterious effect. A different nucleotide substitution resulting in the same amino acid change (c.523 G>T) has been reported as a de novo variant in an individual with early onset epileptic encephalopathy (Milh et al., 2013). The V175L variant is predicted to be within the transmembrane segment S3.

GeneReviews
No classification provided. Condition: Developmental and epileptic encephalopathy, 7. Review status: no classification provided. Collection method: literature only. Allele origin: germline. Affected: yes. Not counted in ClinVar's aggregate classification.
Comment: Infantile spasms

Literature cited by the submitters: PubMed 25092550 (cited by GeneReviews); PubMed 25959266 (cited by GeneReviews); NCBI Bookshelf NBK32534 (cited by GeneReviews).

NM_172107.4(KCNQ2):c.523G>C (p.Val175Leu)

Gene: KCNQ2 (potassium voltage-gated channel subfamily Q member 2; minus strand). Cytogenetic location: 20q13.33.
Variant type: single nucleotide variant.
Coding change: c.523G>C on transcript NM_172107.4 (MANE Select); coding-DNA position 523, G replaced by C.
Protein change: p.Val175Leu; replaces valine 175 with leucine.
Molecular consequence: missense variant.
Genome position (GRCh38, 1-based): chr20:63,444,826, C>G on the plus strand (G>C on the coding strand, the complement: KCNQ2 is on the minus strand). VCF-style: chr20-63444826-C-G. GRCh37 (hg19) VCF-style: chr20-62076179-C-G.
Other names: c.523G>C, p.Val175Leu (NM_004518.6, NM_172106.3, NM_172108.5 and 1 more transcripts); short protein forms V175L.
Identifiers: ClinVar variation 369748 (VCV000369748.3), dbSNP rs1057516082, ClinGen allele CA10654829.